The following is an entry in ClinVar:

NM_001377.3(DYNC2H1):c.1662-2A>G

Gene: DYNC2H1 (dynein cytoplasmic 2 heavy chain 1; plus strand). Cytogenetic location: 11q22.3.
Variant type: single nucleotide variant.
Coding change: c.1662-2A>G on transcript NM_001377.3 (MANE Select); the canonical splice acceptor site of the intron before coding-DNA position 1662, A replaced by G.
Molecular consequence: splice acceptor variant.
Genome position (GRCh38, 1-based): chr11:103,125,098, A>G. VCF-style: chr11-103125098-A-G. GRCh37 (hg19) VCF-style: chr11-102995827-A-G.
Other names: c.1662-2A>G (NM_001080463.2).
Identifiers: ClinVar variation 2745506 (VCV002745506.4), dbSNP rs980278365, ClinGen allele CA227402466.

ClinVar aggregate classification (germline): Likely pathogenic. Review status: criteria provided, multiple submitters, no conflicts (2 of 4 stars). 2 submissions from 2 submitters: Likely pathogenic (2). Last evaluated 2024-04-20.

Conditions:
Jeune thoracic dystrophy. Also called: Short-rib thoracic dysplasia; Jeune syndrome; Infantile thoracic dystrophy; Thoracic pelvic phalangeal dystrophy; Jeune's syndrome; Chondroectodermal dysplasia-like syndrome. Identifiers: Orphanet 474, MedGen C0265275, MONDO:0018770.
Asphyxiating thoracic dystrophy 3. Also called: Saldino-Noonan Syndrome; SHORT-RIB THORACIC DYSPLASIA 3 WITH OR WITHOUT POLYDACTYLY; POLYDACTYLY WITH NEONATAL CHONDRODYSTROPHY, TYPE I; SHORT-RIB THORACIC DYSPLASIA 3/6 WITH POLYDACTYLY, DIGENIC; Short rib polydactyly syndrome 2B. Identifiers: Orphanet 474, Orphanet 93269, Orphanet 93270, Orphanet 93271, MedGen C0036069, MONDO:0013127, OMIM 613091.

Submissions (2):

Fulgent Genetics
Classification: Likely pathogenic for Asphyxiating thoracic dystrophy 3. Last evaluated: 2024-04-20. Review status: criteria provided, single submitter. Criteria: ACMG Guidelines, 2015. Collection method: clinical testing. Allele origin: germline.

Labcorp Genetics (formerly Invitae), Labcorp
Classification: Likely pathogenic for Jeune thoracic dystrophy. Last evaluated: 2023-11-13. Review status: criteria provided, single submitter. Criteria: Invitae Variant Classification Sherloc (09022015). Collection method: clinical testing. Allele origin: germline.
Comment: This sequence change affects an acceptor splice site in intron 11 of the DYNC2H1 gene. It is expected to disrupt RNA splicing. Variants that disrupt the donor or acceptor splice site typically lead to a loss of protein function (PMID: 16199547), and loss-of-function variants in DYNC2H1 are known to be pathogenic (PMID: 23339108, 32753734, 33755199). This variant is not present in population databases (gnomAD no frequency). This variant has not been reported in the literature in individuals affected with DYNC2H1-related conditions. Algorithms developed to predict the effect of sequence changes on RNA splicing suggest that this variant may disrupt the consensus splice site. In summary, the currently available evidence indicates that the variant is pathogenic, but additional data are needed to prove that conclusively. Therefore, this variant has been classified as Likely Pathogenic.

Literature cited by the submitters: PubMed 16199547 (cited by Labcorp Genetics (formerly Invitae), Labcorp); PubMed 23339108 (cited by Labcorp Genetics (formerly Invitae), Labcorp); PubMed 32753734 (cited by Labcorp Genetics (formerly Invitae), Labcorp); PubMed 33755199 (cited by Labcorp Genetics (formerly Invitae), Labcorp).